The following is an entry in ClinVar:

ClinVar aggregate classification (germline): Benign/Likely benign. Review status: criteria provided, multiple submitters, no conflicts (2 of 4 stars). 6 submissions from 6 submitters: Benign (1); Likely benign (5). Last evaluated 2026-01-20.

Conditions:
Hereditary cancer-predisposing syndrome. Also called: Hereditary neoplastic syndrome; Tumor predisposition; Neoplastic Syndromes, Hereditary; Hereditary Cancer Syndrome. Identifiers: Orphanet 140162, MedGen C0027672, MeSH D009386, MONDO:0015356.
Pheochromocytoma/paraganglioma syndrome 5. Also called: Paragangliomas 5; SDHA-Related Hereditary Paraganglioma-Pheochromocytoma Syndrome. Identifiers: Orphanet 29072, MedGen C3279992, MONDO:0013602, OMIM 614165.
Mitochondrial complex II deficiency, nuclear type 1. Also called: SUCCINATE CoQ REDUCTASE DEFICIENCY. Identifiers: Orphanet 3208, MedGen C5700310, MONDO:0100294, OMIM 252011.

Allele frequency attached by ClinVar (database versions not stated): gnomAD exomes below 0.00001.
gnomAD v4.1: 2 of 1,613,714 alleles (0.00012%); highest among the groups gnomAD compares: Admixed American, 0.0017%; no homozygotes.

Submissions (6):

Labcorp Genetics (formerly Invitae), Labcorp
Classification: Likely benign for Pheochromocytoma/paraganglioma syndrome 5; Mitochondrial complex II deficiency, nuclear type 1. Last evaluated: 2026-01-20. Review status: criteria provided, single submitter. Criteria: Invitae Variant Classification Sherloc (09022015). Collection method: clinical testing. Allele origin: germline.

Myriad Genetics, Inc.
Classification: Benign for Pheochromocytoma/paraganglioma syndrome 5. Last evaluated: 2025-02-28. Review status: criteria provided, single submitter. Criteria: Myriad Autosomal Dominant, Autosomal Recessive and X-Linked Classification Criteria (2023). Collection method: clinical testing. Allele origin: unknown.
Comment: This variant is considered benign. This variant is a silent/synonymous amino acid change and it is not expected to impact splicing.

Mayo Clinic Laboratories, Mayo Clinic
Classification: Likely benign. Last evaluated: 2025-02-14. Review status: criteria provided, single submitter. Criteria: ACMG Guidelines, 2015. Collection method: clinical testing. Allele origin: germline. Observed: 1 variant allele.
Comment: BP4, BP7

CeGaT Center for Human Genetics Tuebingen
Classification: Likely benign. Last evaluated: 2024-09-01. Review status: criteria provided, single submitter. Criteria: CeGaT Center For Human Genetics Tuebingen Variant Classification Criteria Version 2. Collection method: clinical testing. Allele origin: germline. Affected: yes. Observed: 1 variant allele.
Comment: SDHA: BP4, BP7

Quest Diagnostics Nichols Institute San Juan Capistrano
Classification: Likely benign. Last evaluated: 2023-09-14. Review status: criteria provided, single submitter. Criteria: Quest Diagnostics criteria. Collection method: clinical testing. Allele origin: unknown.

Ambry Genetics
Classification: Likely benign for Hereditary cancer-predisposing syndrome. Last evaluated: 2019-01-07. Review status: criteria provided, single submitter. Criteria: Ambry Variant Classification Scheme 2023. Collection method: clinical testing. Allele origin: germline.

NM_004168.4(SDHA):c.123G>A (p.Lys41=)

Gene: SDHA (succinate dehydrogenase complex flavoprotein subunit A; plus strand). Cytogenetic location: 5p15.33.
Variant type: single nucleotide variant.
Coding change: c.123G>A on transcript NM_004168.4 (MANE Select); coding-DNA position 123, G replaced by A.
Protein change: p.Lys41=; no amino-acid change (lysine 41 retained).
Molecular consequence: synonymous variant.
Genome position (GRCh38, 1-based): chr5:223,541, G>A. VCF-style: chr5-223541-G-A. GRCh37 (hg19) VCF-style: chr5-223656-G-A.
Other names: p.Lys41=; c.123G>A, p.Lys41= (NM_001294332.2, NM_001330758.2).
Identifiers: ClinVar variation 472313 (VCV000472313.32), dbSNP rs1553997185, ClinGen allele CA442689950.